The following is an entry in ClinVar:

ClinVar aggregate classification (germline): Conflicting classifications of pathogenicity. Review status: criteria provided, conflicting classifications (1 of 4 stars). 2 submissions from 2 submitters: Uncertain significance (1); Likely benign (1). Last evaluated 2024-02-21.

Conditions:
Inborn genetic diseases. Identifiers: MedGen C0950123, MeSH D030342.

Allele frequency attached by ClinVar (database versions not stated): gnomAD exomes below 0.00001; TOPMed below 0.00001; ExAC 0.00001.
gnomAD v4.1: 2 of 1,614,096 alleles (0.00012%); highest among the groups gnomAD compares: Admixed American, 0.0033%; no homozygotes.

Submissions (2):

Ambry Genetics
Classification: Likely benign for Inborn genetic diseases. Last evaluated: 2024-02-21. Review status: criteria provided, single submitter. Criteria: Ambry Variant Classification Scheme 2023. Collection method: clinical testing. Allele origin: germline.

Labcorp Genetics (formerly Invitae), Labcorp
Classification: Uncertain significance. Last evaluated: 2022-02-09. Review status: criteria provided, single submitter. Criteria: Invitae Variant Classification Sherloc (09022015). Collection method: clinical testing. Allele origin: germline.
Comment: This sequence change replaces alanine, which is neutral and non-polar, with threonine, which is neutral and polar, at codon 1214 of the USH2A protein (p.Ala1214Thr). This variant is present in population databases (rs754980255, gnomAD 0.006%). This variant has not been reported in the literature in individuals affected with USH2A-related conditions. Algorithms developed to predict the effect of missense changes on protein structure and function output the following: SIFT: "Tolerated"; PolyPhen-2: "Benign"; Align-GVGD: "Class C0". The threonine amino acid residue is found in multiple mammalian species, which suggests that this missense change does not adversely affect protein function. In summary, the available evidence is currently insufficient to determine the role of this variant in disease. Therefore, it has been classified as a Variant of Uncertain Significance.

NM_206933.4(USH2A):c.3640G>A (p.Ala1214Thr)

Genes: USH2A (usherin; minus strand), USH2A-AS1 (USH2A antisense RNA 1; plus strand). Cytogenetic location: 1q41.
Variant type: single nucleotide variant.
Coding change: c.3640G>A on transcript NM_206933.4 (MANE Select); coding-DNA position 3640, G replaced by A.
Protein change: p.Ala1214Thr; replaces alanine 1214 with threonine.
Molecular consequence: missense variant.
Genome position (GRCh38, 1-based): chr1:216,199,798, C>T on the plus strand (G>A on the coding strand, the complement: USH2A is on the minus strand). VCF-style: chr1-216199798-C-T. GRCh37 (hg19) VCF-style: chr1-216373140-C-T.
Other names: c.3640G>A, p.Ala1214Thr (NM_007123.6); c.3640G>A (NM_206933.2); short protein forms A1214T.
Identifiers: ClinVar variation 2143367 (VCV002143367.2), dbSNP rs754980255, ClinGen allele CA1395953.